The following is an entry in ClinVar:

ClinVar aggregate classification (germline): Uncertain significance. Review status: criteria provided, multiple submitters, no conflicts (2 of 4 stars). 3 submissions from 3 submitters: Uncertain significance (3). Last evaluated 2025-07-24.

Allele frequency attached by ClinVar (database versions not stated): ESP Exome Variant Server 0.00015; ExAC 0.00036; gnomAD 0.00038; TOPMed 0.00043; gnomAD exomes 0.00057.
gnomAD v4.1: 866 of 1,613,916 alleles (0.054%); highest among the groups gnomAD compares: Non-Finnish European, 0.071%; no homozygotes.

Submissions (3):

Labcorp Genetics (formerly Invitae), Labcorp
Classification: Uncertain significance. Last evaluated: 2025-07-24. Review status: criteria provided, single submitter. Criteria: Invitae Variant Classification Sherloc (09022015). Collection method: clinical testing. Allele origin: germline.
Comment: This sequence change replaces threonine, which is neutral and polar, with alanine, which is neutral and non-polar, at codon 698 of the NUP133 protein (p.Thr698Ala). This variant is present in population databases (rs148856535, gnomAD 0.08%), and has an allele count higher than expected for a pathogenic variant. This variant has not been reported in the literature in individuals affected with NUP133-related conditions. ClinVar contains an entry for this variant (Variation ID: 2060069). An algorithm developed to predict the effect of missense changes on protein structure and function (PolyPhen-2) suggests that this variant is likely to be tolerated. In summary, the available evidence is currently insufficient to determine the role of this variant in disease. Therefore, it has been classified as a Variant of Uncertain Significance.

Mayo Clinic Laboratories, Mayo Clinic
Classification: Uncertain significance. Last evaluated: 2025-03-07. Review status: criteria provided, single submitter. Criteria: ACMG Guidelines, 2015. Collection method: clinical testing. Allele origin: germline. Observed: 1 variant allele.
Comment: BP4_moderate

Ambry Genetics
Classification: Uncertain significance. Last evaluated: 2021-08-16. Review status: criteria provided, single submitter. Criteria: Ambry Variant Classification Scheme 2023. Collection method: clinical testing. Allele origin: germline.

NM_018230.3(NUP133):c.2092A>G (p.Thr698Ala)

Gene: NUP133 (nucleoporin 133; minus strand). Cytogenetic location: 1q42.13.
Variant type: single nucleotide variant.
Coding change: c.2092A>G on transcript NM_018230.3 (MANE Select); coding-DNA position 2092, A replaced by G.
Protein change: p.Thr698Ala; replaces threonine 698 with alanine.
Molecular consequence: missense variant.
Genome position (GRCh38, 1-based): chr1:229,466,741, T>C on the plus strand (A>G on the coding strand, the complement: NUP133 is on the minus strand). VCF-style: chr1-229466741-T-C. GRCh37 (hg19) VCF-style: chr1-229602488-T-C.
Other names: p.Thr698Ala; short protein forms T698A.
Identifiers: ClinVar variation 2060069 (VCV002060069.6), dbSNP rs148856535, ClinGen allele CA1443374.